The following is an entry in ClinVar:

ClinVar aggregate classification (germline): Uncertain significance (1 of 4 stars; one submission).

Submission:

Institute for Clinical Genetics, University Hospital TU Dresden, University Hospital TU Dresden
Classification: Uncertain significance. Last evaluated: 2023-07-04. Review status: criteria provided, single submitter. Criteria: ACMG Guidelines, 2015. Collection method: clinical testing. Allele origin: germline.
Comment: PM2_SUP

NM_001042492.3(NF1):c.4333-230A>G

Gene: NF1 (neurofibromin 1; plus strand). Cytogenetic location: 17q11.2.
Variant type: single nucleotide variant.
Coding change: c.4333-230A>G on transcript NM_001042492.3 (MANE Select); 230 bases into the intron before coding-DNA position 4333, A replaced by G.
Molecular consequence: intron variant.
Genome position (GRCh38, 1-based): chr17:31,258,802, A>G. VCF-style: chr17-31258802-A-G. GRCh37 (hg19) VCF-style: chr17-29585820-A-G.
Other names: c.4270-230A>G (NM_000267.4).
Identifiers: ClinVar variation 2576138 (VCV002576138.1), dbSNP rs2508412024, ClinGen allele CA2580614061.
Genomic context (GRCh38, chr17:31,258,802, plus strand): 5'-CGTAATCATTCTAGACATTCTGAAACAGACTAGAATGTAGACTATAGGATTTTTTATTTT[A>G]AAAGTCATTAAACATTTTTAATATGTATTTTTACATGTAAATATAATAATTATATTTGGG-3'